The following is an entry in ClinVar:

NM_020738.4(KIDINS220):c.1794G>A (p.Leu598=)

Gene: KIDINS220 (kinase D interacting substrate 220; minus strand). Cytogenetic location: 2p25.1.
Variant type: single nucleotide variant.
Coding change: c.1794G>A on transcript NM_020738.4 (MANE Select); coding-DNA position 1794, G replaced by A.
Protein change: p.Leu598=; no amino-acid change (leucine 598 retained).
Molecular consequence: synonymous variant. On other transcripts: non-coding transcript variant (2).
Genome position (GRCh38, 1-based): chr2:8,786,351, C>T on the plus strand (G>A on the coding strand, the complement: KIDINS220 is on the minus strand). VCF-style: chr2-8786351-C-T. GRCh37 (hg19) VCF-style: chr2-8926481-C-T.
Other names: c.1797G>A, p.Leu599= (NM_001348729.2, NM_001348731.2, NM_001348734.2 and 3 more transcripts); c.1794G>A, p.Leu598= (NM_001348732.2, NM_001348735.2, NM_001348738.2 and 3 more transcripts); c.1668G>A, p.Leu556= (NM_001348736.2).
Identifiers: ClinVar variation 5000828 (VCV005000828.1).

ClinVar aggregate classification (germline): Likely benign (1 of 4 stars; one submission).

Conditions:
KIDINS220-related disorder. Also called: KIDINS220-related condition.

gnomAD v4.1: 2 of 1,610,672 alleles (0.00012%); highest among the groups gnomAD compares: East Asian, 0.0045%; no homozygotes.

Submission:

PreventionGenetics, part of Exact Sciences
Classification: Likely benign for KIDINS220-related condition. Last evaluated: 2025-06-12. Review status: criteria provided, single submitter. Criteria: ACMG Guidelines, 2015. Collection method: clinical testing. Allele origin: germline.
Comment: This variant is classified as likely benign based on ACMG/AMP sequence variant interpretation guidelines (Richards et al. 2015 PMID: 25741868, with internal and published modifications).